The following is an entry in ClinVar:

NM_000018.4(ACADVL):c.857G>A (p.Arg286Lys)

Gene: ACADVL (acyl-CoA dehydrogenase very long chain; plus strand). Cytogenetic location: 17p13.1.
Variant type: single nucleotide variant.
Coding change: c.857G>A on transcript NM_000018.4 (MANE Select); coding-DNA position 857, G replaced by A.
Protein change: p.Arg286Lys; replaces arginine 286 with lysine.
Molecular consequence: missense variant.
Genome position (GRCh38, 1-based): chr17:7,222,281, G>A. VCF-style: chr17-7222281-G-A. GRCh37 (hg19) VCF-style: chr17-7125600-G-A.
Other names: c.791G>A, p.Arg264Lys (NM_001033859.3); c.926G>A, p.Arg309Lys (NM_001270447.2); c.629G>A, p.Arg210Lys (NM_001270448.2); short protein forms R309K, R210K, R264K, R286K.
Identifiers: ClinVar variation 2883002 (VCV002883002.1), dbSNP rs1239346965, ClinGen allele CA397723830.
Genomic context (GRCh38, chr17:7,222,281, plus strand): 5'-CAGTTACAGATCCAGCCACAGGAGCCGTGAAGGAGAAGATCACAGCTTTTGTGGTGGAGA[G>A]GGGCTTCGGGGGCATTACCCAGTGAGTGAATTTGGGTTGGGGGAGCTTAGGACTGAGGGG-3'
Protein context (NP_000009.1, residues 276-296): KEKITAFVVE[Arg286Lys]GFGGITHGPP

ClinVar aggregate classification (germline): Likely pathogenic (1 of 4 stars; one submission).

Conditions:
Very long chain acyl-CoA dehydrogenase deficiency (ACADVLD). Also called: Very Long-Chain Acyl-Coenzyme A Dehydrogenase Deficiency; VLCAD Deficiency. Identifiers: Orphanet 26793, MedGen C3887523, MONDO:0008723, OMIM 201475.

Allele frequency attached by ClinVar (database versions not stated): TOPMed below 0.00001; gnomAD 0.00001.

Submission:

Labcorp Genetics (formerly Invitae), Labcorp
Classification: Likely pathogenic for Very long chain acyl-CoA dehydrogenase deficiency. Last evaluated: 2023-06-04. Review status: criteria provided, single submitter. Criteria: Invitae Variant Classification Sherloc (09022015). Collection method: clinical testing. Allele origin: germline.
Comment: In summary, the currently available evidence indicates that the variant is pathogenic, but additional data are needed to prove that conclusively. Therefore, this variant has been classified as Likely Pathogenic. This variant disrupts the p.Arg286 amino acid residue in ACADVL. Other variant(s) that disrupt this residue have been determined to be pathogenic (PMID: 20060901). This suggests that this residue is clinically significant, and that variants that disrupt this residue are likely to be disease-causing. Advanced modeling of protein sequence and biophysical properties (such as structural, functional, and spatial information, amino acid conservation, physicochemical variation, residue mobility, and thermodynamic stability) performed at Invitae indicates that this missense variant is expected to disrupt ACADVL protein function. This variant has not been reported in the literature in individuals affected with ACADVL-related conditions. This variant is not present in population databases (gnomAD no frequency). This sequence change replaces arginine, which is basic and polar, with lysine, which is basic and polar, at codon 286 of the ACADVL protein (p.Arg286Lys).

Literature cited by the submitters: PubMed 20060901.